The following is an entry in ClinVar:

NM_002439.5(MSH3):c.1081A>T (p.Thr361Ser)

Gene: MSH3 (mutS homolog 3; plus strand). Cytogenetic location: 5q14.1.
Variant type: single nucleotide variant.
Coding change: c.1081A>T on transcript NM_002439.5 (MANE Select); coding-DNA position 1081, A replaced by T.
Protein change: p.Thr361Ser; replaces threonine 361 with serine.
Molecular consequence: missense variant.
Genome position (GRCh38, 1-based): chr5:80,675,036, A>T. VCF-style: chr5-80675036-A-T. GRCh37 (hg19) VCF-style: chr5-79970855-A-T.
Other names: short protein forms T361S.
Identifiers: ClinVar variation 2451078 (VCV002451078.3), dbSNP rs2112815980, ClinGen allele CA360268022.

ClinVar aggregate classification (germline): Uncertain significance (1 of 4 stars; one submission).

Conditions:
Hereditary cancer-predisposing syndrome. Also called: Neoplastic Syndromes, Hereditary; Tumor predisposition; Hereditary neoplastic syndrome; Hereditary Cancer Syndrome. Identifiers: Orphanet 140162, MedGen C0027672, MeSH D009386, MONDO:0015356.

Submission:

Ambry Genetics
Classification: Uncertain significance for Hereditary cancer-predisposing syndrome. Last evaluated: 2025-05-12. Review status: criteria provided, single submitter. Criteria: Ambry Variant Classification Scheme 2023. Collection method: clinical testing. Allele origin: germline.
Comment: The p.T361S variant (also known as c.1081A>T), located in coding exon 7 of the MSH3 gene, results from an A to T substitution at nucleotide position 1081. The threonine at codon 361 is replaced by serine, an amino acid with similar properties. This amino acid position is not well conserved in available vertebrate species. In addition, this alteration is predicted to be tolerated by in silico analysis. Based on the available evidence, the clinical significance of this variant remains unclear.